The following is an entry in ClinVar:

ClinVar aggregate classification (germline): Uncertain significance. Review status: criteria provided, multiple submitters, no conflicts (2 of 4 stars). 2 submissions from 2 submitters: Uncertain significance (2). Last evaluated 2025-02-25.

Conditions:
DSCAM-related disorder. Also called: DSCAM-related condition.
Inborn genetic diseases. Identifiers: MedGen C0950123, MeSH D030342.

Allele frequency attached by ClinVar (database versions not stated): gnomAD 0.00001; TOPMed 0.00001.
gnomAD v4.1: 1 of 1,613,808 alleles (0.000062%); highest among the groups gnomAD compares: Non-Finnish European, 0.000085%; no homozygotes.

Submissions (2):

PreventionGenetics, part of Exact Sciences
Classification: Uncertain significance for DSCAM-related condition. Last evaluated: 2025-02-25. Review status: criteria provided, single submitter. Criteria: ACMG Guidelines, 2015. Collection method: clinical testing. Allele origin: germline.
Comment: The DSCAM c.5359A>G variant is predicted to result in the amino acid substitution p.Ser1787Gly. To our knowledge, this variant has not been reported in the literature or in a large population database (gnomAD), indicating this variant is rare. At this time, the clinical significance of this variant is uncertain due to the absence of conclusive functional and genetic evidence.

Ambry Genetics
Classification: Uncertain significance for Inborn genetic diseases. Last evaluated: 2022-09-14. Review status: criteria provided, single submitter. Criteria: Ambry Variant Classification Scheme 2023. Collection method: clinical testing. Allele origin: germline.

NM_001389.5(DSCAM):c.5359A>G (p.Ser1787Gly)

Gene: DSCAM (DS cell adhesion molecule; minus strand). Cytogenetic location: 21q22.2.
Variant type: single nucleotide variant.
Coding change: c.5359A>G on transcript NM_001389.5 (MANE Select); coding-DNA position 5359, A replaced by G.
Protein change: p.Ser1787Gly; replaces serine 1787 with glycine.
Molecular consequence: missense variant. On other transcripts: non-coding transcript variant (1).
Genome position (GRCh38, 1-based): chr21:40,044,102, T>C on the plus strand (A>G on the coding strand, the complement: DSCAM is on the minus strand). VCF-style: chr21-40044102-T-C. GRCh37 (hg19) VCF-style: chr21-41416029-T-C.
Other names: c.5359A>G, p.Ser1787Gly (NM_001271534.3); c.*452A>G (NM_206887.1); short protein forms S1787G.
Identifiers: ClinVar variation 2375587 (VCV002375587.3), dbSNP rs2088803487, ClinGen allele CA410302398.